The following is an entry in ClinVar:

NM_001122681.2(SH3BP2):c.271A>G (p.Asn91Asp)

Gene: SH3BP2 (SH3 domain binding protein 2; plus strand). Cytogenetic location: 4p16.3.
Variant type: single nucleotide variant.
Coding change: c.271A>G on transcript NM_001122681.2 (MANE Select); coding-DNA position 271, A replaced by G.
Protein change: p.Asn91Asp; replaces asparagine 91 with aspartic acid.
Molecular consequence: missense variant.
Genome position (GRCh38, 1-based): chr4:2,824,644, A>G. VCF-style: chr4-2824644-A-G. GRCh37 (hg19) VCF-style: chr4-2826371-A-G.
Other names: c.355A>G, p.Asn119Asp (NM_001145855.2); c.442A>G, p.Asn148Asp (NM_001145856.2); c.271A>G, p.Asn91Asp (NM_003023.4); short protein forms N91D, N148D, N119D.
Identifiers: ClinVar variation 3664775 (VCV003664775.2).

ClinVar aggregate classification (germline): Uncertain significance (1 of 4 stars; one submission).

Conditions:
Fibrous dysplasia of jaw (CRBM). Also called: Cherubism. Identifiers: Orphanet 184, MedGen C0008029, MONDO:0007315, OMIM 118400.

gnomAD v4.1: 1 of 1,613,980 alleles (0.000062%); highest among the groups gnomAD compares: Non-Finnish European, 0.000085%; no homozygotes.

Submission:

Labcorp Genetics (formerly Invitae), Labcorp
Classification: Uncertain significance for Fibrous dysplasia of jaw. Last evaluated: 2024-12-31. Review status: criteria provided, single submitter. Criteria: Invitae Variant Classification Sherloc (09022015). Collection method: clinical testing. Allele origin: germline.
Comment: This sequence change replaces asparagine, which is neutral and polar, with aspartic acid, which is acidic and polar, at codon 91 of the SH3BP2 protein (p.Asn91Asp). This variant is not present in population databases (gnomAD no frequency). This variant has not been reported in the literature in individuals affected with SH3BP2-related conditions. Invitae Evidence Modeling of protein sequence and biophysical properties (such as structural, functional, and spatial information, amino acid conservation, physicochemical variation, residue mobility, and thermodynamic stability) indicates that this missense variant is not expected to disrupt SH3BP2 protein function with a negative predictive value of 80%. In summary, the available evidence is currently insufficient to determine the role of this variant in disease. Therefore, it has been classified as a Variant of Uncertain Significance.